The following is an entry in ClinVar:

ClinVar aggregate classification (germline): Pathogenic (1 of 4 stars; one submission).

Submission:

Labcorp Genetics (formerly Invitae), Labcorp
Classification: Pathogenic. Last evaluated: 2023-11-06. Review status: criteria provided, single submitter. Criteria: Invitae Variant Classification Sherloc (09022015). Collection method: clinical testing. Allele origin: germline.
Comment: This sequence change creates a premature translational stop signal (p.Trp257*) in the RCBTB1 gene. It is expected to result in an absent or disrupted protein product. Loss-of-function variants in RCBTB1 are known to be pathogenic (PMID: 31494449). This variant is not present in population databases (gnomAD no frequency). This variant has not been reported in the literature in individuals affected with RCBTB1-related conditions. ClinVar contains an entry for this variant (Variation ID: 1423405). For these reasons, this variant has been classified as Pathogenic.

Literature cited by the submitters: PubMed 31494449.

NM_018191.4(RCBTB1):c.770G>A (p.Trp257Ter)

Gene: RCBTB1 (RCC1 and BTB domain containing protein 1; minus strand). Cytogenetic location: 13q14.2.
Variant type: single nucleotide variant.
Coding change: c.770G>A on transcript NM_018191.4 (MANE Select); coding-DNA position 770, G replaced by A.
Protein change: p.Trp257Ter; replaces tryptophan 257 with a stop codon.
Molecular consequence: nonsense. On other transcripts: non-coding transcript variant (2).
Genome position (GRCh38, 1-based): chr13:49,551,410, C>T on the plus strand (G>A on the coding strand, the complement: RCBTB1 is on the minus strand). VCF-style: chr13-49551410-C-T. GRCh37 (hg19) VCF-style: chr13-50125546-C-T.
Other names: c.770G>A, p.Trp257Ter (NM_001352500.2, NM_001352501.2, NM_001352502.2 and 3 more transcripts); c.191G>A, p.Trp64Ter (NM_001352506.2); short protein forms W257*, W64*.
Identifiers: ClinVar variation 1423405 (VCV001423405.6), dbSNP rs2139180733, ClinGen allele CA388190556.
Genomic context (GRCh38, chr13:49,551,410, plus strand): 5'-GCTGGGCTTAGCAGGTTATTTTTATTGCCAGTTCCCAGCTGCCCATATGTGTTAGCTCCC[C>T]AGGCATACAGCAAGCCCTCATCTGTTAGTGCTAGAGTATGTGCGTAACCGCAGACAATCT-3'